The following is an entry in ClinVar:

ClinVar aggregate classification (germline): Uncertain significance (1 of 4 stars; one submission).

Conditions:
Developmental and epileptic encephalopathy, 30 (DEE30). Also called: Epileptic encephalopathy, early infantile, 30. Identifiers: MedGen C4225360, MONDO:0014595, OMIM 616341.

Submission:

Labcorp Genetics (formerly Invitae), Labcorp
Classification: Uncertain significance for Developmental and epileptic encephalopathy, 30. Last evaluated: 2023-07-16. Review status: criteria provided, single submitter. Criteria: Invitae Variant Classification Sherloc (09022015). Collection method: clinical testing. Allele origin: germline.
Comment: This sequence change replaces valine, which is neutral and non-polar, with leucine, which is neutral and non-polar, at codon 374 of the SIK1 protein (p.Val374Leu). This variant is not present in population databases (gnomAD no frequency). This variant has not been reported in the literature in individuals affected with SIK1-related conditions. An algorithm developed to predict the effect of missense changes on protein structure and function (PolyPhen-2) suggests that this variant is likely to be tolerated. Algorithms developed to predict the effect of sequence changes on RNA splicing suggest that this variant may create or strengthen a splice site. In summary, the available evidence is currently insufficient to determine the role of this variant in disease. Therefore, it has been classified as a Variant of Uncertain Significance.

NM_173354.5(SIK1):c.1120G>T (p.Val374Leu)

Gene: SIK1 (salt inducible kinase 1; minus strand). Cytogenetic location: 21q22.3.
Variant type: single nucleotide variant.
Coding change: c.1120G>T on transcript NM_173354.5 (MANE Select); coding-DNA position 1120, G replaced by T.
Protein change: p.Val374Leu; replaces valine 374 with leucine.
Molecular consequence: missense variant.
Genome position (GRCh38, 1-based): chr21:43,419,478, C>A on the plus strand (G>T on the coding strand, the complement: SIK1 is on the minus strand). VCF-style: chr21-43419478-C-A. GRCh37 (hg19) VCF-style: chr21-44839358-C-A.
Other names: short protein forms V374L.
Identifiers: ClinVar variation 2743943 (VCV002743943.3), dbSNP rs1330320245, ClinGen allele CA410608683.